The following is an entry in ClinVar:

ClinVar aggregate classification (germline): Conflicting classifications of pathogenicity. Review status: criteria provided, conflicting classifications (1 of 4 stars). 2 submissions from 2 submitters: Uncertain significance (1); Likely benign (1). Last evaluated 2025-11-22.

Conditions:
Hereditary pancreatitis (PCTT). Also called: Hereditary chronic pancreatitis; PRSS1-Related Hereditary Pancreatitis. Identifiers: Orphanet 676, MedGen C0238339, MONDO:0008185, OMIM 167800.

Allele frequency attached by ClinVar (database versions not stated): ExAC 0.00001; gnomAD exomes 0.00001 and 0.00006; gnomAD 0.00005 and 0.00006; TOPMed 0.00005.
gnomAD v4.1: 99 of 1,613,920 alleles (0.0061%); highest among the groups gnomAD compares: Middle Eastern, 0.016%; no homozygotes.

Submissions (2):

Labcorp Genetics (formerly Invitae), Labcorp
Classification: Uncertain significance for Hereditary pancreatitis. Last evaluated: 2025-11-22. Review status: criteria provided, single submitter. Criteria: Invitae Variant Classification Sherloc (09022015). Collection method: clinical testing. Allele origin: germline.
Comment: This sequence change affects codon 13 of the CTRC mRNA. It is a 'silent' change, meaning that it does not change the encoded amino acid sequence of the CTRC protein. It affects a nucleotide within the consensus splice site. This variant is present in population databases (rs747431847, gnomAD 0.002%). This variant has not been reported in the literature in individuals affected with CTRC-related conditions. ClinVar contains an entry for this variant (Variation ID: 410882). Algorithms developed to predict the effect of sequence changes on RNA splicing suggest that this variant is not likely to affect RNA splicing. In summary, the available evidence is currently insufficient to determine the role of this variant in disease. Therefore, it has been classified as a Variant of Uncertain Significance.

Ambry Genetics
Classification: Likely benign for Hereditary pancreatitis. Last evaluated: 2015-01-07. Review status: criteria provided, single submitter. Criteria: Ambry Variant Classification Scheme 2023. Collection method: clinical testing. Allele origin: germline.

NM_007272.3(CTRC):c.39T>C (p.Cys13=)

Gene: CTRC (chymotrypsin C; plus strand). Cytogenetic location: 1p36.21.
Variant type: single nucleotide variant.
Coding change: c.39T>C on transcript NM_007272.3 (MANE Select); coding-DNA position 39, T replaced by C.
Protein change: p.Cys13=; no amino-acid change (cysteine 13 retained).
Molecular consequence: synonymous variant.
Genome position (GRCh38, 1-based): chr1:15,438,503, T>C. VCF-style: chr1-15438503-T-C. GRCh37 (hg19) VCF-style: chr1-15764999-T-C.
Identifiers: ClinVar variation 410882 (VCV000410882.11), dbSNP rs747431847, ClinGen allele CA613186.
Genomic context (GRCh38, chr1:15,438,503, plus strand): 5'-AGCCAGTCCTGAGCACCTAACCATGTTGGGCATCACTGTCCTCGCTGCGCTCTTGGCCTG[T>C]GGTAAGCGGTGGGGTGGGGCTGCAGCTAGCAGGCTGTGAGCTCGGGCTGGCCTCCAGGGC-3'
Protein context (NP_009203.2, residues 3-23): GITVLAALLA[Cys13=]ASSCGVPSFP